The following is an entry in ClinVar:

NM_001199397.3(NEK1):c.1493C>G (p.Pro498Arg)

Gene: NEK1 (NIMA related kinase 1; minus strand). Cytogenetic location: 4q33.
Variant type: single nucleotide variant.
Coding change: c.1493C>G on transcript NM_001199397.3 (MANE Select); coding-DNA position 1493, C replaced by G.
Protein change: p.Pro498Arg; replaces proline 498 with arginine.
Molecular consequence: missense variant. On other transcripts: non-coding transcript variant (1), intron variant (3).
Genome position (GRCh38, 1-based): chr4:169,555,789, G>C on the plus strand (C>G on the coding strand, the complement: NEK1 is on the minus strand). VCF-style: chr4-169555789-G-C. GRCh37 (hg19) VCF-style: chr4-170476940-G-C.
Other names: c.1493C>G, p.Pro498Arg (NM_001374418.1, NM_001374419.1, NM_012224.4); c.1442C>G, p.Pro481Arg (NM_001374420.1); c.1367C>G, p.Pro456Arg (NM_001374421.1); c.1355+143C>G (NM_001199399.3); c.1430+143C>G (NM_001199398.3, NM_001199400.3); short protein forms P456R, P481R, P498R.
Identifiers: ClinVar variation 3393804 (VCV003393804.3).
Genomic context (GRCh38, chr4:169,555,789, plus strand): 5'-TTGGCTTGTTTAGACACCGCCTTCAATCTTTTCAAAGTTTTTCTAATATCATCAGCATCA[G>C]GAAAATGGTGATGACCTGCAGCCCCATAAGGAAATCCTGGACGAACTCCAGGCAGAATTC-3'
Protein context (NP_001186326.1, residues 488-508): PYGAAGHHHF[Pro498Arg]DADDIRKTLK

ClinVar aggregate classification (germline): Uncertain significance. Review status: criteria provided, multiple submitters, no conflicts (2 of 4 stars). 2 submissions from 2 submitters: Uncertain significance (2). Last evaluated 2024-12-03.

Conditions:
Short-rib thoracic dysplasia 6 with or without polydactyly (SRTD6). Also called: Majewski Syndrome; SHORT-RIB THORACIC DYSPLASIA 6 WITH POLYDACTYLY; SHORT-RIB THORACIC DYSPLASIA 6 WITHOUT POLYDACTYLY; SHORT RIB-POLYDACTYLY SYNDROME, TYPE IIA; POLYDACTYLY WITH NEONATAL CHONDRODYSTROPHY, TYPE II. Identifiers: MedGen C0024507, MONDO:0009894, OMIM 263520.

gnomAD v4.1: 10 of 1,613,644 alleles (0.00062%); highest among the groups gnomAD compares: Non-Finnish European, 0.00042%; no homozygotes.

Submissions (2):

Labcorp Genetics (formerly Invitae), Labcorp
Classification: Uncertain significance for Short-rib thoracic dysplasia 6 with or without polydactyly. Last evaluated: 2024-12-03. Review status: criteria provided, single submitter. Criteria: Invitae Variant Classification Sherloc (09022015). Collection method: clinical testing. Allele origin: germline.
Comment: This sequence change replaces proline, which is neutral and non-polar, with arginine, which is basic and polar, at codon 498 of the NEK1 protein (p.Pro498Arg). This variant is present in population databases (rs761857021, gnomAD 0.002%). This variant has not been reported in the literature in individuals affected with NEK1-related conditions. Invitae Evidence Modeling of protein sequence and biophysical properties (such as structural, functional, and spatial information, amino acid conservation, physicochemical variation, residue mobility, and thermodynamic stability) indicates that this missense variant is not expected to disrupt NEK1 protein function with a negative predictive value of 95%. In summary, the available evidence is currently insufficient to determine the role of this variant in disease. Therefore, it has been classified as a Variant of Uncertain Significance.

GeneDx
Classification: Uncertain significance. Last evaluated: 2024-07-05. Review status: criteria provided, single submitter. Criteria: GeneDx Variant Classification Process June 2021. Collection method: clinical testing. Allele origin: germline. Affected: yes.
Comment: Not observed at significant frequency in large population cohorts (gnomAD); In silico analysis supports that this missense variant has a deleterious effect on protein structure/function; Has not been previously published as pathogenic or benign to our knowledge